The following is an entry in ClinVar:

NM_001458.5(FLNC):c.2351C>G (p.Pro784Arg)

Gene: FLNC (filamin C; plus strand). Cytogenetic location: 7q32.1.
Variant type: single nucleotide variant.
Coding change: c.2351C>G on transcript NM_001458.5 (MANE Select); coding-DNA position 2351, C replaced by G.
Protein change: p.Pro784Arg; replaces proline 784 with arginine.
Molecular consequence: missense variant.
Genome position (GRCh38, 1-based): chr7:128,842,660, C>G. VCF-style: chr7-128842660-C-G. GRCh37 (hg19) VCF-style: chr7-128482714-C-G.
Other names: c.2351C>G, p.Pro784Arg (NM_001127487.2); short protein forms P784R.
Identifiers: ClinVar variation 1403167 (VCV001403167.8), dbSNP rs2128935692, ClinGen allele CA369191315.

ClinVar aggregate classification (germline): Uncertain significance (1 of 4 stars; one submission).

Conditions:
Hypertrophic cardiomyopathy 26. Also called: Cardiomyopathy, familial hypertrophic, 26. Identifiers: Orphanet 75249, MedGen C4310749, MONDO:0014883, OMIM 617047.
Myofibrillar myopathy 5. Also called: FILAMINOPATHY, AUTOSOMAL DOMINANT; Filaminopathy (type). Identifiers: Orphanet 171445, MedGen C1836050, MONDO:0012289, OMIM 609524.
Distal myopathy with posterior leg and anterior hand involvement. Also called: WILLIAMS DISTAL MYOPATHY. Identifiers: Orphanet 63273, MedGen C3279722, MONDO:0013550, OMIM 614065.

Submission:

Labcorp Genetics (formerly Invitae), Labcorp
Classification: Uncertain significance for Distal myopathy with posterior leg and anterior hand involvement; Myofibrillar myopathy 5; Hypertrophic cardiomyopathy 26. Last evaluated: 2021-04-28. Review status: criteria provided, single submitter. Criteria: Invitae Variant Classification Sherloc (09022015). Collection method: clinical testing. Allele origin: germline.
Comment: In summary, the available evidence is currently insufficient to determine the role of this variant in disease. Therefore, it has been classified as a Variant of Uncertain Significance. Algorithms developed to predict the effect of missense changes on protein structure and function are either unavailable or do not agree on the potential impact of this missense change (SIFT: "Deleterious"; PolyPhen-2: "Probably Damaging"; Align-GVGD: "Class C0"). This variant has not been reported in the literature in individuals with FLNC-related conditions. This variant is not present in population databases (ExAC no frequency). This sequence change replaces proline with arginine at codon 784 of the FLNC protein (p.Pro784Arg). The proline residue is highly conserved and there is a moderate physicochemical difference between proline and arginine.